The following is an entry in ClinVar:

NM_000179.3(MSH6):c.3661_3663dup (p.Thr1221dup)

Gene: MSH6 (mutS homolog 6; plus strand). Cytogenetic location: 2p16.3.
Variant type: Duplication.
Coding change: c.3661_3663dup on transcript NM_000179.3 (MANE Select); coding-DNA positions 3661 to 3663, 3 bases duplicated (ACA; older notation c.3661_3663dupACA).
Protein change: p.Thr1221dup; duplicates threonine 1221.
Molecular consequence: inframe insertion.
Genome position (GRCh38, 1-based): chr2:47,806,218-47,806,220, ACA duplicated; duplicating any 3 consecutive bases within chr2:47,806,216-47,806,220 gives the same sequence; the c. name uses the placement nearest the transcript's 3' end. VCF-style (leftmost placement, unchanged base first): chr2-47806215-G-GCAA. GRCh37 (hg19) VCF-style: chr2-48033354-G-GCAA.
Other names: c.3271_3273dup, p.Thr1091dup (NM_001281492.2); c.2755_2757dup, p.Thr919dup (NM_001281493.2, NM_001281494.2).
Identifiers: ClinVar variation 1438325 (VCV001438325.6), dbSNP rs2104537348, ClinGen allele CA2573134758.
Genomic context (GRCh38, chr2:47,806,215, plus strand): 5'-TGTTTTAATTCCTTTGAGTTACTTCCTTATGCATATTTTACTTTAACAGGAAGAGGTACT[G>GCAA]CAACATTTGATGGGACGGCAATAGCAAATGCAGTTGTTAAAGAACTTGCTGAGACTATAA-3'

ClinVar aggregate classification (germline): Uncertain significance (1 of 4 stars; one submission).

Conditions:
Hereditary nonpolyposis colorectal neoplasms. Identifiers: MedGen C0009405, MeSH D003123.

Submission:

Labcorp Genetics (formerly Invitae), Labcorp
Classification: Uncertain significance for Hereditary nonpolyposis colorectal neoplasms. Last evaluated: 2021-09-15. Review status: criteria provided, single submitter. Criteria: Invitae Variant Classification Sherloc (09022015). Collection method: clinical testing. Allele origin: germline.
Comment: In summary, the available evidence is currently insufficient to determine the role of this variant in disease. Therefore, it has been classified as a Variant of Uncertain Significance. Experimental studies and prediction algorithms are not available or were not evaluated, and the functional significance of this variant is currently unknown. This variant has not been reported in the literature in individuals affected with MSH6-related conditions. This variant is not present in population databases (ExAC no frequency). This variant, c.3661_3663dup, results in the insertion of 1 amino acid(s) to the MSH6 protein (p.Thr1221dup), but otherwise preserves the integrity of the reading frame.